The following is an entry in ClinVar:

ClinVar aggregate classification (germline): Uncertain significance. Review status: criteria provided, multiple submitters, no conflicts (2 of 4 stars). 3 submissions from 3 submitters: Uncertain significance (3). Last evaluated 2021-09-17.

Conditions:
Maple syrup urine disease (MSUD). Identifiers: Orphanet 511, MedGen C0024776, MeSH D008375, MONDO:0009563. Disease mechanism: loss of function.

Allele frequency attached by ClinVar (database versions not stated): gnomAD 0.00003; gnomAD exomes 0.00003 and 0.00004; TOPMed 0.00004; ExAC 0.00005.

Submissions (3):

Labcorp Genetics (formerly Invitae), Labcorp
Classification: Uncertain significance for Maple syrup urine disease. Last evaluated: 2021-09-17. Review status: criteria provided, single submitter. Criteria: Invitae Variant Classification Sherloc (09022015). Collection method: clinical testing. Allele origin: germline.
Comment: This sequence change replaces arginine with tryptophan at codon 316 of the BCKDHA protein (p.Arg316Trp). The arginine residue is highly conserved and there is a moderate physicochemical difference between arginine and tryptophan. This variant is present in population databases (rs758442329, ExAC 0.009%). This variant has not been reported in the literature in individuals affected with BCKDHA-related conditions. Advanced modeling of protein sequence and biophysical properties (such as structural, functional, and spatial information, amino acid conservation, physicochemical variation, residue mobility, and thermodynamic stability) performed at Invitae indicates that this missense variant is expected to disrupt BCKDHA protein function. Algorithms developed to predict the effect of sequence changes on RNA splicing suggest that this variant may create or strengthen a splice site. In summary, the available evidence is currently insufficient to determine the role of this variant in disease. Therefore, it has been classified as a Variant of Uncertain Significance.

Fulgent Genetics
Classification: Uncertain significance for Maple syrup urine disease type 1A. Last evaluated: 2021-07-27. Review status: criteria provided, single submitter. Criteria: ACMG Guidelines, 2015. Collection method: clinical testing. Allele origin: unknown.

GeneDx
Classification: Uncertain significance. Last evaluated: 2020-08-21. Review status: criteria provided, single submitter. Criteria: GeneDx Variant Classification Process June 2021. Collection method: clinical testing. Allele origin: germline. Affected: yes.
Comment: Not observed at a significant frequency in large population cohorts (Lek et al., 2016); Missense variants in this gene are often considered pathogenic (Stenson et al., 2014); In silico analysis supports that this missense variant does not alter protein structure/function; Has not been previously published as pathogenic or benign to our knowledge

NM_000709.4(BCKDHA):c.946C>T (p.Arg316Trp)

Gene: BCKDHA (branched chain keto acid dehydrogenase E1 subunit alpha; plus strand). Cytogenetic location: 19q13.2.
Variant type: single nucleotide variant.
Coding change: c.946C>T on transcript NM_000709.4 (MANE Select); coding-DNA position 946, C replaced by T.
Protein change: p.Arg316Trp; replaces arginine 316 with tryptophan.
Molecular consequence: missense variant.
Genome position (GRCh38, 1-based): chr19:41,422,721, C>T. VCF-style: chr19-41422721-C-T. GRCh37 (hg19) VCF-style: chr19-41928626-C-T.
Other names: c.943C>T, p.Arg315Trp (NM_001164783.2); short protein forms R315W, R316W.
Identifiers: ClinVar variation 1309308 (VCV001309308.4), dbSNP rs758442329, ClinGen allele CA9461308.